The following is an entry in ClinVar:

NM_138420.4(AHNAK2):c.3920G>A (p.Gly1307Asp)

Gene: AHNAK2 (AHNAK nucleoprotein 2; minus strand). Cytogenetic location: 14q32.33.
Variant type: single nucleotide variant.
Coding change: c.3920G>A on transcript NM_138420.4 (MANE Select); coding-DNA position 3920, G replaced by A.
Protein change: p.Gly1307Asp; replaces glycine 1307 with aspartic acid.
Molecular consequence: missense variant.
Genome position (GRCh38, 1-based): chr14:104,951,531, C>T on the plus strand (G>A on the coding strand, the complement: AHNAK2 is on the minus strand). VCF-style: chr14-104951531-C-T. GRCh37 (hg19) VCF-style: chr14-105417868-C-T.
Other names: c.3620G>A, p.Gly1207Asp (NM_001350929.2); short protein forms G1207D, G1307D.
Identifiers: ClinVar variation 3025477 (VCV003025477.22), dbSNP rs562385862, ClinGen allele CA7382746.

ClinVar aggregate classification (germline): Likely benign (1 of 4 stars; one submission).

Allele frequency attached by ClinVar (database versions not stated): gnomAD exomes 0.00007; gnomAD 0.00014; ExAC 0.00019; 1000 Genomes Project 30x 0.00031; 1000 Genomes Project 0.00040.
gnomAD v4.1: 113 of 1,248,092 alleles (0.0091%); highest among the groups gnomAD compares: Admixed American, 0.076%; 38 homozygotes.

Submission:

CeGaT Center for Human Genetics Tuebingen
Classification: Likely benign. Last evaluated: 2023-12-01. Review status: criteria provided, single submitter. Criteria: CeGaT Center For Human Genetics Tuebingen Variant Classification Criteria Version 2. Collection method: clinical testing. Allele origin: germline. Affected: yes. Observed: 1 variant allele.
Comment: AHNAK2: BP4, BS2